The following is an entry in ClinVar:

ClinVar aggregate classification (germline): Pathogenic (1 of 4 stars; one submission).

Submission:

Labcorp Genetics (formerly Invitae), Labcorp
Classification: Pathogenic. Last evaluated: 2017-09-21. Review status: criteria provided, single submitter. Criteria: Invitae Variant Classification Sherloc (09022015). Collection method: clinical testing. Allele origin: germline.
Comment: For these reasons, this variant has been classified as Pathogenic. A different truncation (p.R965*) that lies downstream of this variant has been determined to be pathogenic (PMID: 22419483). This suggests that deletion of this region of the ASXL1 protein is causative of disease. This variant has not been reported in the literature in individuals with ASXL1-related disease. This variant is not present in population databases (ExAC no frequency). This sequence change results in a premature translational stop signal in the ASXL1 gene (p.Gln592Leufs*28). While this is not anticipated to result in nonsense mediated decay, it is expected to disrupt the last 950 amino acids (~62%) of the ASXL1 protein.

Literature cited by the submitters: PubMed 22419483.

NM_015338.6(ASXL1):c.1770_1773dup (p.Gln592fs)

Gene: ASXL1 (ASXL transcriptional regulator 1; plus strand). Cytogenetic location: 20q11.21.
Variant type: Duplication.
Coding change: c.1770_1773dup on transcript NM_015338.6 (MANE Select); coding-DNA positions 1770 to 1773, 4 bases duplicated (TTAC; older notation c.1770_1773dupTTAC).
Protein change: p.Gln592fs; shifts the reading frame from glutamine 592.
Molecular consequence: frameshift variant.
Genome position (GRCh38, 1-based): chr20:32,434,482-32,434,485, TTAC duplicated; duplicating any 4 consecutive bases within chr20:32,434,480-32,434,485 gives the same sequence; the c. name uses the placement nearest the transcript's 3' end. VCF-style (leftmost placement, unchanged base first): chr20-32434479-C-CACTT. GRCh37 (hg19) VCF-style: chr20-31022282-C-CACTT.
Other names: c.1587_1590dup, p.Gln531fs (NM_001363734.1); short protein forms Q531fs, Q592fs.
Identifiers: ClinVar variation 1076637 (VCV001076637.9), dbSNP rs2145356541, ClinGen allele CA2499225721.